The following is an entry in ClinVar:

ClinVar aggregate classification (germline): Uncertain significance (1 of 4 stars; one submission).

Submission:

Labcorp Genetics (formerly Invitae), Labcorp
Classification: Uncertain significance. Last evaluated: 2025-09-05. Review status: criteria provided, single submitter. Criteria: Invitae Variant Classification Sherloc (09022015). Collection method: clinical testing. Allele origin: germline.
Comment: This sequence change replaces asparagine, which is neutral and polar, with threonine, which is neutral and polar, at codon 148 of the PAX5 protein (p.Asn148Thr). This variant is not present in population databases (gnomAD no frequency). This variant has not been reported in the literature in individuals affected with PAX5-related conditions. Invitae Evidence Modeling of protein sequence and biophysical properties (such as structural, functional, and spatial information, amino acid conservation, physicochemical variation, residue mobility, and thermodynamic stability) indicates that this missense variant is not expected to disrupt PAX5 protein function with a negative predictive value of 80%. In summary, the available evidence is currently insufficient to determine the role of this variant in disease. Therefore, it has been classified as a Variant of Uncertain Significance.

NM_016734.3(PAX5):c.443A>C (p.Asn148Thr)

Genes: PAX5 (paired box 5; minus strand), LOC105376032 (uncharacterized LOC105376032; plus strand). Cytogenetic location: 9p13.2.
Variant type: single nucleotide variant.
Coding change: c.443A>C on transcript NM_016734.3 (MANE Select); coding-DNA position 443, A replaced by C.
Protein change: p.Asn148Thr; replaces asparagine 148 with threonine.
Molecular consequence: missense variant. On other transcripts: non-coding transcript variant (2).
Genome position (GRCh38, 1-based): chr9:37,006,505, T>G on the plus strand (A>C on the coding strand, the complement: PAX5 is on the minus strand). VCF-style: chr9-37006505-T-G. GRCh37 (hg19) VCF-style: chr9-37006502-T-G.
Other names: c.443A>C, p.Asn148Thr (NM_001280547.2, NM_001280548.2, NM_001280549.2 and 4 more transcripts); c.119A>C, p.Asn40Thr (NM_001280551.2, NM_001280556.2); c.245A>C, p.Asn82Thr (NM_001280555.2); short protein forms N40T, N82T, N148T.
Identifiers: ClinVar variation 4745042 (VCV004745042.1).